The following is an entry in ClinVar:

ClinVar aggregate classification (germline): Pathogenic (1 of 4 stars; one submission).

Submission:

Labcorp Genetics (formerly Invitae), Labcorp
Classification: Pathogenic. Last evaluated: 2023-12-22. Review status: criteria provided, single submitter. Criteria: Invitae Variant Classification Sherloc (09022015). Collection method: clinical testing. Allele origin: unknown.
Comment: This variant is a gross deletion of the genomic region encompassing exon(s) 2-7 of the XRCC4 gene, which includes the initiator codon. This deletion extends beyond the assayed region for this gene and therefore may encompass additional genes. It is expected to result in an absent or disrupted protein product. Loss-of-function variants in XRCC4 are known to be pathogenic (PMID: 25728776). This variant has not been reported in the literature in individuals affected with XRCC4-related conditions. For these reasons, this variant has been classified as Pathogenic.

Literature cited by the submitters: PubMed 25728776.

NC_000005.9:g.(?_82400739)_(82554516_?)del

Gene: XRCC4 (X-ray repair cross complementing 4; plus strand). Cytogenetic location: 5q14.2.
Variant type: Deletion.
Identifiers: ClinVar variation 3246532 (VCV003246532.1).